The following is an entry in ClinVar:

NM_002972.4(SBF1):c.1873G>A (p.Val625Ile)

Gene: SBF1 (SET binding factor 1; minus strand). Cytogenetic location: 22q13.33.
Variant type: single nucleotide variant.
Coding change: c.1873G>A on transcript NM_002972.4 (MANE Select); coding-DNA position 1873, G replaced by A.
Protein change: p.Val625Ile; replaces valine 625 with isoleucine.
Molecular consequence: missense variant.
Genome position (GRCh38, 1-based): chr22:50,463,309, C>T on the plus strand (G>A on the coding strand, the complement: SBF1 is on the minus strand). VCF-style: chr22-50463309-C-T. GRCh37 (hg19) VCF-style: chr22-50901738-C-T.
Other names: c.1876G>A, p.Val626Ile (NM_001365819.1); short protein forms V625I, V626I.
Identifiers: ClinVar variation 1390550 (VCV001390550.6), dbSNP rs146850293, ClinGen allele CA10317503.

ClinVar aggregate classification (germline): Uncertain significance (1 of 4 stars; one submission).

Allele frequency attached by ClinVar (database versions not stated): ExAC 0.00002; gnomAD exomes 0.00002 and 0.00003; ESP Exome Variant Server 0.00008; gnomAD 0.00011; TOPMed 0.00012; 1000 Genomes Project 30x 0.00016; 1000 Genomes Project 0.00020.
gnomAD v4.1: 53 of 1,613,510 alleles (0.0033%); highest among the groups gnomAD compares: Admixed American, 0.0083%; no homozygotes.

Submission:

Labcorp Genetics (formerly Invitae), Labcorp
Classification: Uncertain significance. Last evaluated: 2026-01-19. Review status: criteria provided, single submitter. Criteria: Invitae Variant Classification Sherloc (09022015). Collection method: clinical testing. Allele origin: germline.
Comment: This sequence change replaces valine, which is neutral and non-polar, with isoleucine, which is neutral and non-polar, at codon 625 of the SBF1 protein (p.Val625Ile). This variant is present in population databases (rs146850293, gnomAD 0.02%). This variant has not been reported in the literature in individuals affected with SBF1-related conditions. ClinVar contains an entry for this variant (Variation ID: 1390550). An algorithm developed to predict the effect of missense changes on protein structure and function (PolyPhen-2) suggests that this variant is likely to be tolerated. In summary, the available evidence is currently insufficient to determine the role of this variant in disease. Therefore, it has been classified as a Variant of Uncertain Significance.